The following is an entry in ClinVar:

ClinVar aggregate classification (germline): Uncertain significance. Review status: criteria provided, multiple submitters, no conflicts (2 of 4 stars). 2 submissions from 2 submitters: Uncertain significance (2). Last evaluated 2025-11-03.

Conditions:
Primary immunodeficiency with natural-killer cell deficiency and adrenal insufficiency (IMD54). Also called: Natural killer cell and glucocorticoid deficiency with DNA repair defect; IMMUNODEFICIENCY 54. Identifiers: Orphanet 75391, MedGen C1864947, MONDO:0012383, OMIM 609981.

Allele frequency attached by ClinVar (database versions not stated): gnomAD 0.00001; gnomAD exomes 0.00002 and 0.00003; TOPMed 0.00002.
gnomAD v4.1: 44 of 1,614,094 alleles (0.0027%); highest among the groups gnomAD compares: Non-Finnish European, 0.0034%; no homozygotes.

Submissions (2):

Labcorp Genetics (formerly Invitae), Labcorp
Classification: Uncertain significance. Last evaluated: 2025-11-03. Review status: criteria provided, single submitter. Criteria: Invitae Variant Classification Sherloc (09022015). Collection method: clinical testing. Allele origin: germline.
Comment: This sequence change replaces arginine, which is basic and polar, with lysine, which is basic and polar, at codon 554 of the MCM4 protein (p.Arg554Lys). This variant is present in population databases (no rsID available, gnomAD 0.005%). This variant has not been reported in the literature in individuals affected with MCM4-related conditions. ClinVar contains an entry for this variant (Variation ID: 1033042). Invitae Evidence Modeling of protein sequence and biophysical properties (such as structural, functional, and spatial information, amino acid conservation, physicochemical variation, residue mobility, and thermodynamic stability) indicates that this missense variant is not expected to disrupt MCM4 protein function with a negative predictive value of 80%. In summary, the available evidence is currently insufficient to determine the role of this variant in disease. Therefore, it has been classified as a Variant of Uncertain Significance.

Baylor Genetics
Classification: Uncertain significance for Primary immunodeficiency with natural-killer cell deficiency and adrenal insufficiency. Last evaluated: 2018-07-30. Review status: criteria provided, single submitter. Criteria: ACMG Guidelines, 2015. Collection method: clinical testing. Allele origin: maternal. Affected: yes.
Comment: This variant was determined to be of uncertain significance according to ACMG Guidelines, 2015 [PMID:25741868].

NM_182746.3(MCM4):c.1661G>A (p.Arg554Lys)

Gene: MCM4 (minichromosome maintenance complex component 4; plus strand). Cytogenetic location: 8q11.21.
Variant type: single nucleotide variant.
Coding change: c.1661G>A on transcript NM_182746.3 (MANE Select); coding-DNA position 1661, G replaced by A.
Protein change: p.Arg554Lys; replaces arginine 554 with lysine.
Molecular consequence: missense variant.
Genome position (GRCh38, 1-based): chr8:47,970,737, G>A. VCF-style: chr8-47970737-G-A. GRCh37 (hg19) VCF-style: chr8-48883297-G-A.
Other names: c.1661G>A, p.Arg554Lys (NM_005914.4); short protein forms R554K.
Identifiers: ClinVar variation 1033042 (VCV001033042.5), dbSNP rs921501374, ClinGen allele CA176158110.